The following is an entry in ClinVar:

NM_000059.4(BRCA2):c.6841+1091_6841+1092del

Gene: BRCA2 (BRCA2 DNA repair associated; plus strand). Cytogenetic location: 13q13.1.
Variant type: Deletion.
Coding change: c.6841+1091_6841+1092del on transcript NM_000059.4 (MANE Select); bases 1091 to 1092 of the intron after coding-DNA position 6841, 2 bases deleted (AA; older notation c.6841+1091_6841+1092delAA).
Molecular consequence: intron variant.
Genome position (GRCh38, 1-based): chr13:32,342,287-32,342,288, AA deleted; deleting any 2 consecutive bases within chr13:32,342,271-32,342,288 gives the same sequence; the c. name uses the placement nearest the transcript's 3' end. VCF-style (leftmost placement, unchanged base first): chr13-32342270-CAA-C. GRCh37 (hg19) VCF-style: chr13-32916407-CAA-C.
Identifiers: ClinVar variation 264921 (VCV000264921.1), dbSNP rs58295304, ClinGen allele CA10588093.
Genomic context (GRCh38, chr13:32,342,270, plus strand): 5'-GTGCAGTGAGCTGACATCACACCACTGCTCTCCAGCCTGGGCAACAGAGCGAGACTGTCT[CAA>C]AAAAAAAAAAAAAAAAGTGTATTTAAAGCACTTAGCAGTGAACTTGACATATAGTAGGCA-3'

ClinVar aggregate classification (germline): Benign (3 of 4 stars; one submission).

Conditions:
Breast-ovarian cancer, familial, susceptibility to, 2 (BROVCA2). Also called: BRCA2 Hereditary Breast and Ovarian Cancer. Identifiers: Orphanet 145, MedGen C2675520, MONDO:0012933, OMIM 612555. Disease mechanism: loss of function.

Submission:

Evidence-based Network for the Interpretation of Germline Mutant Alleles (ENIGMA)
Classification: Benign for Breast-ovarian cancer, familial, susceptibility to, 2. Last evaluated: 2016-09-28. Review status: reviewed by expert panel. Criteria: ENIGMA BRCA1/2 Classification Criteria (2015). Collection method: curation. Allele origin: germline.
Comment: Class 1 not pathogenic based on frequency >1% in an outbred sampleset. Frequency 0.5785 (European), 0.6989 (African), 0.6758 (Admixed American/Latino), 0.5863 (East Asian), 0.4816 (South Asian), derived from 1000 genomes (2013-05-02).